The following is an entry in ClinVar:

NM_152564.5(VPS13B):c.7022G>A (p.Ser2341Asn)

Gene: VPS13B (vacuolar protein sorting 13 homolog B; plus strand). Cytogenetic location: 8q22.2.
Variant type: single nucleotide variant.
Coding change: c.7022G>A on transcript NM_152564.5 (MANE Select); coding-DNA position 7022, G replaced by A.
Protein change: p.Ser2341Asn; replaces serine 2341 with asparagine.
Molecular consequence: missense variant.
Genome position (GRCh38, 1-based): chr8:99,721,019, G>A. VCF-style: chr8-99721019-G-A. GRCh37 (hg19) VCF-style: chr8-100733247-G-A.
Other names: c.7097G>A, p.Ser2366Asn (NM_017890.5); c.7097G>A (NM_017890.3); short protein forms S2341N, S2366N.
Identifiers: ClinVar variation 1378127 (VCV001378127.7), dbSNP rs2130343782, ClinGen allele CA371868639.
Genomic context (GRCh38, chr8:99,721,019, plus strand): 5'-TACTCACCCTTGTACGAATAACTCCTGTACCTTTTAACACCACAGAGGATCCAGATATTA[G>A]CACAGCAGACCTTGGTGATGTGCTACAGGTATGTAATGACCATTCATTGTAAAATGAAAA-3'
Protein context (NP_689777.3, residues 2331-2351): PFNTTEDPDI[Ser2341Asn]TADLGDVLQV

ClinVar aggregate classification (germline): Uncertain significance. Review status: criteria provided, multiple submitters, no conflicts (2 of 4 stars). 2 submissions from 2 submitters: Uncertain significance (2). Last evaluated 2025-08-14.

Conditions:
Cohen syndrome (COH1). Also called: Cutis verticis gyrata, retinitis pigmentosa, and sensorineural deafness; PEPPER SYNDROME. Identifiers: Orphanet 193, MedGen C0265223, MONDO:0008999, OMIM 216550.
Inborn genetic diseases. Identifiers: MedGen C0950123, MeSH D030342.

Submissions (2):

Ambry Genetics
Classification: Uncertain significance for Inborn genetic diseases. Last evaluated: 2025-08-14. Review status: criteria provided, single submitter. Criteria: Ambry Variant Classification Scheme 2023. Collection method: clinical testing. Allele origin: germline.

Labcorp Genetics (formerly Invitae), Labcorp
Classification: Uncertain significance for Cohen syndrome. Last evaluated: 2021-08-27. Review status: criteria provided, single submitter. Criteria: Invitae Variant Classification Sherloc (09022015). Collection method: clinical testing. Allele origin: germline.
Comment: In summary, the available evidence is currently insufficient to determine the role of this variant in disease. Therefore, it has been classified as a Variant of Uncertain Significance. Algorithms developed to predict the effect of missense changes on protein structure and function are either unavailable or do not agree on the potential impact of this missense change (SIFT: "Not Available"; PolyPhen-2: "Possibly Damaging"; Align-GVGD: "Not Available"). This variant has not been reported in the literature in individuals affected with VPS13B-related conditions. This variant is not present in population databases (ExAC no frequency). This sequence change replaces serine with asparagine at codon 2366 of the VPS13B protein (p.Ser2366Asn). The serine residue is moderately conserved and there is a small physicochemical difference between serine and asparagine.